The following is an entry in ClinVar:

NM_000169.3(GLA):c.890C>T (p.Ser297Phe)

Genes: GLA (galactosidase alpha; minus strand), RPL36A-HNRNPH2 (RPL36A-HNRNPH2 readthrough; plus strand). Cytogenetic location: Xq22.1.
Variant type: single nucleotide variant.
Coding change: c.890C>T on transcript NM_000169.3 (MANE Select); coding-DNA position 890, C replaced by T.
Protein change: p.Ser297Phe; replaces serine 297 with phenylalanine.
Molecular consequence: missense variant. On other transcripts: non-coding transcript variant (3), intron variant (2).
Genome position (GRCh38, 1-based): chrX:101,398,479, G>A on the plus strand (C>T on the coding strand, the complement: GLA is on the minus strand). VCF-style: chrX-101398479-G-A. GRCh37 (hg19) VCF-style: chrX-100653467-G-A.
Other names: c.1013C>T, p.Ser338Phe (NM_001406747.1); c.890C>T, p.Ser297Phe (NM_001406748.1); c.300+3022G>A (NM_001199973.2); c.177+6657G>A (NM_001199974.2); short protein forms S297F, S338F.
Identifiers: ClinVar variation 10737 (VCV000010737.9), dbSNP rs28935489, ClinGen allele CA022153.

ClinVar aggregate classification (germline): Pathogenic/Likely pathogenic. Review status: criteria provided, multiple submitters, no conflicts (2 of 4 stars). 4 submissions from 4 submitters: Pathogenic (2); Likely pathogenic (1). 1 of the submissions does not count toward it. Last evaluated 2026-09-08.

Conditions:
Fabry disease. Also called: Ceramide trihexosidosis; Fabry's disease; CERAMIDE TRIHEXOSIDASE DEFICIENCY; GLA DEFICIENCY; HEREDITARY DYSTOPIC LIPIDOSIS; ALPHA-GALACTOSIDASE A DEFICIENCY. Identifiers: Orphanet 324, MedGen C0002986, MONDO:0010526, OMIM 301500, HP:0001071. Disease mechanism: Fabry disease is due to inactivating mutations in the X-linked GLA gene resulting in deficiency of the enzyme Alpha Galactosidase-A., loss of function.

Submissions (4):

Genomenon, Inc
Classification: Pathogenic for Fabry disease. Last evaluated: 2026-09-08. Review status: criteria provided, single submitter. Criteria: Genomenon Sequence Variant Interpretation Standards - Updated. Collection method: curation. Allele origin: germline. Affected: yes.
Comment: GLA p.Ser297Phe (c.890C>T) is a missense variant that changes the amino acid at codon 297 from Serine to Phenylalanine. This variant has been observed in at least one proband with clinical features consistent with Fabry disease (PMID:36383556;7504405;20505683). The variant was found to segregate with disease in at least one affected family (PMID:36383556). At least one functional study has demonstrated a substantial alteration in protein function relative to the wild-type (PMID:19287194;27657681). It is absent or not present at a significant frequency in gnomAD. In silico models predict that this variant is possibly or probably damaging. In conclusion, we classify GLA p.Ser297Phe (c.890C>T) as a pathogenic variant.

Myriad Genetics, Inc.
Classification: Likely pathogenic for Fabry disease. Last evaluated: 2025-02-04. Review status: criteria provided, single submitter. Criteria: Myriad Autosomal Dominant, Autosomal Recessive and X-Linked Classification Criteria (2023). Collection method: clinical testing. Allele origin: unknown.
Comment: NM_000169.2(GLA):c.890C>T(S297F) is a missense variant classified as likely pathogenic in the context of Fabry disease. S297F has been observed in cases with relevant disease (PMID: 19287194, 36383556, 7504405). Relevant functional assessments of this variant are available in the literature (PMID: 19287194). S297F has not been observed in referenced population frequency databases. In summary, NM_000169.2(GLA):c.890C>T(S297F) is a missense variant that has functional support for pathogenicity and has been observed more frequently in cases with the relevant disease than in healthy populations. Please note: this variant was assessed in the context of healthy population screening.

Labcorp Genetics (formerly Invitae), Labcorp
Classification: Pathogenic for Fabry disease. Last evaluated: 2022-06-10. Review status: criteria provided, single submitter. Criteria: Invitae Variant Classification Sherloc (09022015). Collection method: clinical testing. Allele origin: germline.
Comment: This missense change has been observed in individual(s) with Fabry disease (PMID: 7504405, 19287194, 31620600). This variant is not present in population databases (gnomAD no frequency). This sequence change replaces serine, which is neutral and polar, with phenylalanine, which is neutral and non-polar, at codon 297 of the GLA protein (p.Ser297Phe). ClinVar contains an entry for this variant (Variation ID: 10737). Algorithms developed to predict the effect of missense changes on protein structure and function (SIFT, PolyPhen-2, Align-GVGD) all suggest that this variant is likely to be disruptive. This variant disrupts the p.Ser297 amino acid residue in GLA. Other variant(s) that disrupt this residue have been determined to be pathogenic (PMID: 7504405, 12428061, 19287194, 26238931). This suggests that this residue is clinically significant, and that variants that disrupt this residue are likely to be disease-causing. For these reasons, this variant has been classified as Pathogenic.

OMIM
Classification: Pathogenic for FABRY DISEASE. Last evaluated: 1993-12-01. Review status: no assertion criteria provided. Collection method: literature only. Allele origin: germline. Not counted in ClinVar's aggregate classification.

Literature cited by the submitters: PubMed 36383556 (cited by Genomenon, Inc and Myriad Genetics, Inc.); PubMed 7504405 (cited by 4 submitters); PubMed 20505683 (cited by Genomenon, Inc); PubMed 19287194 (cited by 3 submitters); PubMed 27657681 (cited by Genomenon, Inc); PubMed 31620600 (cited by Labcorp Genetics (formerly Invitae), Labcorp); PubMed 12428061 (cited by Labcorp Genetics (formerly Invitae), Labcorp); PubMed 26238931 (cited by Labcorp Genetics (formerly Invitae), Labcorp).